The following is an entry in ClinVar:

ClinVar aggregate classification (germline): Uncertain significance (1 of 4 stars; one submission).

Conditions:
Noonan syndrome 8 (NS8). Identifiers: Orphanet 648, MedGen C3809233, MONDO:0014143, OMIM 615355.

Submissions (2):

Labcorp Genetics (formerly Invitae), Labcorp
Classification: Uncertain significance for Noonan syndrome 8. Last evaluated: 2024-10-12. Review status: criteria provided, single submitter. Criteria: Invitae Variant Classification Sherloc (09022015). Collection method: clinical testing. Allele origin: germline.
Comment: This sequence change falls in intron 3 of the RIT1 gene. It does not directly change the encoded amino acid sequence of the RIT1 protein. This variant is not present in population databases (gnomAD no frequency). This variant has not been reported in the literature in individuals affected with RIT1-related conditions. Algorithms developed to predict the effect of sequence changes on RNA splicing suggest that this variant may disrupt the consensus splice site. In summary, the available evidence is currently insufficient to determine the role of this variant in disease. Therefore, it has been classified as a Variant of Uncertain Significance.

Dr. Peter K. Rogan Lab, Western University
No classification provided (evidence only). Condition: Ovarian serous cystadenocarcinoma. Review status: no classification provided. Collection method: in vitro. Allele origin: not applicable. Functional consequence: retained intron. Not counted in ClinVar's aggregate classification.

NM_006912.6(RIT1):c.164-5T>A

Gene: RIT1 (Ras like without CAAX 1; minus strand). Cytogenetic location: 1q22.
Variant type: single nucleotide variant.
Coding change: c.164-5T>A on transcript NM_006912.6 (MANE Select); 5 bases into the intron before coding-DNA position 164, T replaced by A.
Molecular consequence: intron variant.
Genome position (GRCh38, 1-based): chr1:155,904,809, A>T on the plus strand (T>A on the coding strand, the complement: RIT1 is on the minus strand). VCF-style: chr1-155904809-A-T. GRCh37 (hg19) VCF-style: chr1-155874600-A-T.
Other names: c.56-5T>A (NM_001256820.2); c.215-5T>A (NM_001256821.2).
Identifiers: ClinVar variation 3722806 (VCV003722806.3).